The following is an entry in ClinVar:

NM_001330288.2(SMARCC2):c.796G>A (p.Val266Ile)

Gene: SMARCC2 (SWI/SNF related BAF chromatin remodeling complex subunit C2; minus strand). Cytogenetic location: 12q13.2.
Variant type: single nucleotide variant.
Coding change: c.796G>A on transcript NM_001330288.2 (MANE Select); coding-DNA position 796, G replaced by A.
Protein change: p.Val266Ile; replaces valine 266 with isoleucine.
Molecular consequence: missense variant.
Genome position (GRCh38, 1-based): chr12:56,181,748, C>T on the plus strand (G>A on the coding strand, the complement: SMARCC2 is on the minus strand). VCF-style: chr12-56181748-C-T. GRCh37 (hg19) VCF-style: chr12-56575532-C-T.
Other names: c.796G>A, p.Val266Ile (NM_001130420.3, NM_003075.5, NM_139067.4); short protein forms V266I.
Identifiers: ClinVar variation 3365677 (VCV003365677.1).

ClinVar aggregate classification (germline): Uncertain significance (1 of 4 stars; one submission).

gnomAD v4.1: 5 of 1,614,154 alleles (0.00031%); highest among the groups gnomAD compares: Non-Finnish European, 0.00042%; no homozygotes.

Submission:

GeneDx
Classification: Uncertain significance. Last evaluated: 2023-12-18. Review status: criteria provided, single submitter. Criteria: GeneDx Variant Classification Process June 2021. Collection method: clinical testing. Allele origin: germline. Affected: yes.
Comment: Not observed at significant frequency in large population cohorts (gnomAD); In silico analysis supports that this missense variant does not alter protein structure/function; Has not been previously published as pathogenic or benign to our knowledge